The following is an entry in ClinVar:

ClinVar aggregate classification (germline): Uncertain significance. Review status: criteria provided, multiple submitters, no conflicts (2 of 4 stars). 2 submissions from 2 submitters: Uncertain significance (2). Last evaluated 2025-12-17.

Allele frequency attached by ClinVar (database versions not stated): gnomAD 0.00001; TOPMed 0.00001; gnomAD exomes 0.00002 and 0.00005; ExAC 0.00007.
gnomAD v4.1: 26 of 1,613,226 alleles (0.0016%); highest among the groups gnomAD compares: East Asian, 0.031%; no homozygotes.

Submissions (2):

Labcorp Genetics (formerly Invitae), Labcorp
Classification: Uncertain significance. Last evaluated: 2025-12-17. Review status: criteria provided, single submitter. Criteria: Invitae Variant Classification Sherloc (09022015). Collection method: clinical testing. Allele origin: germline.
Comment: This sequence change replaces alanine, which is neutral and non-polar, with threonine, which is neutral and polar, at codon 348 of the ABHD12 protein (p.Ala348Thr). This variant is present in population databases (rs763733941, gnomAD 0.06%). This variant has not been reported in the literature in individuals affected with ABHD12-related conditions. ClinVar contains an entry for this variant (Variation ID: 1301026). Invitae Evidence Modeling of protein sequence and biophysical properties (such as structural, functional, and spatial information, amino acid conservation, physicochemical variation, residue mobility, and thermodynamic stability) indicates that this missense variant is not expected to disrupt ABHD12 protein function with a negative predictive value of 80%. In summary, the available evidence is currently insufficient to determine the role of this variant in disease. Therefore, it has been classified as a Variant of Uncertain Significance.

GeneDx
Classification: Uncertain significance. Last evaluated: 2021-09-02. Review status: criteria provided, single submitter. Criteria: GeneDx Variant Classification Process June 2021. Collection method: clinical testing. Allele origin: germline. Affected: yes.
Comment: In silico analysis supports that this missense variant has a deleterious effect on protein structure/function; Has not been previously published as pathogenic or benign to our knowledge

NM_001042472.3(ABHD12):c.1042G>A (p.Ala348Thr)

Gene: ABHD12 (abhydrolase domain containing 12, lysophospholipase; minus strand). Cytogenetic location: 20p11.21.
Variant type: single nucleotide variant.
Coding change: c.1042G>A on transcript NM_001042472.3 (MANE Select); coding-DNA position 1042, G replaced by A.
Protein change: p.Ala348Thr; replaces alanine 348 with threonine.
Molecular consequence: missense variant.
Genome position (GRCh38, 1-based): chr20:25,302,334, C>T on the plus strand (G>A on the coding strand, the complement: ABHD12 is on the minus strand). VCF-style: chr20-25302334-C-T. GRCh37 (hg19) VCF-style: chr20-25282970-C-T.
Other names: c.1042G>A, p.Ala348Thr (NM_015600.5); short protein forms A348T.
Identifiers: ClinVar variation 1301026 (VCV001301026.3), dbSNP rs763733941, ClinGen allele CA9795837.